The following is an entry in ClinVar:

NM_020919.4(ALS2):c.4037C>G (p.Thr1346Arg)

Gene: ALS2 (alsin Rho guanine nucleotide exchange factor ALS2; minus strand). Cytogenetic location: 2q33.1.
Variant type: single nucleotide variant.
Coding change: c.4037C>G on transcript NM_020919.4 (MANE Select); coding-DNA position 4037, C replaced by G.
Protein change: p.Thr1346Arg; replaces threonine 1346 with arginine.
Molecular consequence: missense variant.
Genome position (GRCh38, 1-based): chr2:201,711,076, G>C on the plus strand (C>G on the coding strand, the complement: ALS2 is on the minus strand). VCF-style: chr2-201711076-G-C. GRCh37 (hg19) VCF-style: chr2-202575799-G-C.
Other names: short protein forms T1346R.
Identifiers: ClinVar variation 1403024 (VCV001403024.6), dbSNP rs1232828907, ClinGen allele CA350323857.

ClinVar aggregate classification (germline): Uncertain significance (1 of 4 stars; one submission).

Conditions:
Infantile-onset ascending hereditary spastic paralysis (IAHSP). Also called: Infantile-Onset Ascending Hereditary Spastic Paralysis (IAHSP); Autosomal Recessive Juvenile Amyotrophic Lateral Sclerosis. Identifiers: Orphanet 293168, MedGen C2931441, MONDO:0011797, OMIM 607225. Disease mechanism: loss of function.

Allele frequency attached by ClinVar (database versions not stated): gnomAD exomes 0.00001; TOPMed 0.00001; gnomAD 0.00002.
gnomAD v4.1: 4 of 1,611,066 alleles (0.00025%); highest among the groups gnomAD compares: African/African-American, 0.0053%; no homozygotes.

Submission:

Labcorp Genetics (formerly Invitae), Labcorp
Classification: Uncertain significance for Infantile-onset ascending hereditary spastic paralysis. Last evaluated: 2021-11-27. Review status: criteria provided, single submitter. Criteria: Invitae Variant Classification Sherloc (09022015). Collection method: clinical testing. Allele origin: germline.
Comment: This sequence change replaces threonine, which is neutral and polar, with arginine, which is basic and polar, at codon 1346 of the ALS2 protein (p.Thr1346Arg). This variant is present in population databases (no rsID available, gnomAD 0.01%). This variant has not been reported in the literature in individuals affected with ALS2-related conditions. Algorithms developed to predict the effect of missense changes on protein structure and function (SIFT, PolyPhen-2, Align-GVGD) all suggest that this variant is likely to be tolerated. In summary, the available evidence is currently insufficient to determine the role of this variant in disease. Therefore, it has been classified as a Variant of Uncertain Significance.